The following is an entry in ClinVar:

NM_007327.4(GRIN1):c.2453T>G (p.Met818Arg)

Gene: GRIN1 (glutamate ionotropic receptor NMDA type subunit 1; plus strand). Cytogenetic location: 9q34.3.
Variant type: single nucleotide variant.
Coding change: c.2453T>G on transcript NM_007327.4 (MANE Select); coding-DNA position 2453, T replaced by G.
Protein change: p.Met818Arg; replaces methionine 818 with arginine.
Molecular consequence: missense variant.
Genome position (GRCh38, 1-based): chr9:137,163,768, T>G. VCF-style: chr9-137163768-T-G. GRCh37 (hg19) VCF-style: chr9-140058220-T-G.
Other names: c.2453T>G, p.Met818Arg (NM_000832.7, NM_021569.4); c.2516T>G, p.Met839Arg (NM_001185090.2, NM_001185091.2); short protein forms M839R, M818R.
Identifiers: ClinVar variation 2079411 (VCV002079411.4), dbSNP rs2538649313, ClinGen allele CA375726238.

ClinVar aggregate classification (germline): Likely pathogenic (1 of 4 stars; one submission).

Conditions:
Neurodevelopmental disorder with or without hyperkinetic movements and seizures, autosomal dominant. Also called: Intellectual disability, autosomal dominant 8. Identifiers: MedGen C3280282, MONDO:0013655, OMIM 614254.

Submission:

Labcorp Genetics (formerly Invitae), Labcorp
Classification: Likely pathogenic for Neurodevelopmental disorder with or without hyperkinetic movements and seizures, autosomal dominant. Last evaluated: 2022-01-11. Review status: criteria provided, single submitter. Criteria: Invitae Variant Classification Sherloc (09022015). Collection method: clinical testing. Allele origin: germline.
Comment: In summary, the currently available evidence indicates that the variant is pathogenic, but additional data are needed to prove that conclusively. Therefore, this variant has been classified as Likely Pathogenic. This variant disrupts the p.Met818 amino acid residue in GRIN1. Other variant(s) that disrupt this residue have been determined to be pathogenic (Invitae). This suggests that this residue is clinically significant, and that variants that disrupt this residue are likely to be disease-causing. Advanced modeling of protein sequence and biophysical properties (such as structural, functional, and spatial information, amino acid conservation, physicochemical variation, residue mobility, and thermodynamic stability) performed at Invitae indicates that this missense variant is expected to disrupt GRIN1 protein function. This variant has not been reported in the literature in individuals affected with GRIN1-related conditions. This variant is not present in population databases (gnomAD no frequency). This sequence change replaces methionine, which is neutral and non-polar, with arginine, which is basic and polar, at codon 818 of the GRIN1 protein (p.Met818Arg).